The following is an entry in ClinVar:

ClinVar aggregate classification (germline): Conflicting classifications of pathogenicity. Review status: criteria provided, conflicting classifications (1 of 4 stars). 2 submissions from 2 submitters: Likely pathogenic (1); Uncertain significance (1). Last evaluated 2021-04-16.

Conditions:
Dyskeratosis congenita, autosomal dominant 2. Identifiers: MedGen C3151443, MONDO:0013521, OMIM 613989.
Idiopathic Pulmonary Fibrosis. Also called: Idiopathic fibrosing alveolitis, chronic form; idiopathic fibrosing alveolitis. Identifiers: Orphanet 2032, MedGen C1800706, MeSH D054990, MONDO:0800504.
Dyskeratosis congenita. Identifiers: Orphanet 1775, MedGen C0265965, MONDO:0015780.

Submissions (2):

Labcorp Genetics (formerly Invitae), Labcorp
Classification: Uncertain significance for Dyskeratosis congenita, autosomal dominant 2; Idiopathic Pulmonary Fibrosis. Last evaluated: 2021-04-16. Review status: criteria provided, single submitter. Criteria: Invitae Variant Classification Sherloc (09022015). Collection method: clinical testing. Allele origin: germline.
Comment: In summary, the available evidence is currently insufficient to determine the role of this variant in disease. Therefore, it has been classified as a Variant of Uncertain Significance. Algorithms developed to predict the effect of missense changes on protein structure and function (SIFT, PolyPhen-2, Align-GVGD) all suggest that this variant is likely to be tolerated, but these predictions have not been confirmed by published functional studies and their clinical significance is uncertain. This variant has not been reported in the literature in individuals with TERT-related conditions. ClinVar contains an entry for this variant (Variation ID: 436994). The frequency data for this variant in the population databases is considered unreliable, as metrics indicate insufficient coverage at this position in the ExAC database. This sequence change replaces arginine with glycine at codon 671 of the TERT protein (p.Arg671Gly). The arginine residue is weakly conserved and there is a moderate physicochemical difference between arginine and glycine.

Genetic Services Laboratory, University of Chicago
Classification: Likely pathogenic for Dyskeratosis congenita. Last evaluated: 2017-05-18. Review status: criteria provided, single submitter. Criteria: ACMG Guidelines, 2015. Collection method: clinical testing. Allele origin: germline. Affected: yes.

NM_198253.3(TERT):c.2011C>G (p.Arg671Gly)

Gene: TERT (telomerase reverse transcriptase; minus strand). Cytogenetic location: 5p15.33.
Variant type: single nucleotide variant.
Coding change: c.2011C>G on transcript NM_198253.3 (MANE Select); coding-DNA position 2011, C replaced by G.
Protein change: p.Arg671Gly; replaces arginine 671 with glycine.
Molecular consequence: missense variant. On other transcripts: non-coding transcript variant (2).
Genome position (GRCh38, 1-based): chr5:1,279,410, G>C on the plus strand (C>G on the coding strand, the complement: TERT is on the minus strand). VCF-style: chr5-1279410-G-C. GRCh37 (hg19) VCF-style: chr5-1279525-G-C.
Other names: c.2011C>G, p.Arg671Gly (NM_001193376.3); short protein forms R671G.
Identifiers: ClinVar variation 436994 (VCV000436994.16), dbSNP rs1060503011, ClinGen allele CA359080693.
Genomic context (GRCh38, chr5:1,279,410, plus strand): 5'-GCCAGGCCCTGTGGATATCGTCCAGGCCCAGCACAGAGGCGCCCAGGAGGCCGGGGCGCC[G>C]CGCCCGCTCGTAGTTGAGCACGCTGAACAGTGCCTTCACCCTCGAGGTGAGACGCTCGGC-3'
Protein context (NP_937983.2, residues 661-681): LFSVLNYERA[Arg671Gly]RPGLLGASVL